The following is an entry in ClinVar:

ClinVar aggregate classification (germline): Uncertain significance. Review status: criteria provided, multiple submitters, no conflicts (2 of 4 stars). 3 submissions from 3 submitters: Uncertain significance (3). Last evaluated 2024-09-14.

Conditions:
Amyloidosis, hereditary systemic 1 (AMYLD1). Also called: Familial amyloid polyneuropathy; Transthyretin Amyloidosis; Isolated Cardiac Amyloidosis; Amyloid Cardiomyopathy, Transthyretin-related; AMYLOID CARDIOMYOPATHY; Hereditary Transthyretin Amyloidosis. Identifiers: Orphanet 85447, Orphanet 85451, MedGen C2751492, MONDO:0971004, OMIM 105210.
Carpal tunnel syndrome 1 (CTS1). Also called: Carpal tunnel syndrome, familial. Identifiers: MedGen C5779776, MONDO:0020730, OMIM 115430.
Hyperthyroxinemia, dystransthyretinemic. Also called: HYPERTHYROXINEMIA, DYSPREALBUMINEMIC; EUTHRYROIDAL HYPERTHYROXINEMIA 2. Identifiers: MedGen C2750824, MONDO:0007785, OMIM 145680.
Cardiovascular phenotype. Identifiers: MedGen CN230736.

Allele frequency attached by ClinVar (database versions not stated): gnomAD exomes below 0.00001; ExAC 0.00001.
gnomAD v4.1: 4 of 1,614,132 alleles (0.00025%); highest among the groups gnomAD compares: Non-Finnish European, 0.00034%; no homozygotes.

Submissions (3):

Ambry Genetics
Classification: Uncertain significance for Cardiovascular phenotype. Last evaluated: 2024-09-14. Review status: criteria provided, single submitter. Criteria: Ambry Variant Classification Scheme 2023. Collection method: clinical testing. Allele origin: germline.
Comment: The p.G13R variant (also known as c.37G>A), located in coding exon 1 of the TTR gene, results from a G to A substitution at nucleotide position 37. The glycine at codon 13 is replaced by arginine, an amino acid with dissimilar properties. This amino acid position is well conserved in available vertebrate species. In addition, this alteration is predicted to be deleterious by in silico analysis. Based on the available evidence, the clinical significance of this variant remains unclear.

Labcorp Genetics (formerly Invitae), Labcorp
Classification: Uncertain significance for Amyloidosis, hereditary systemic 1. Last evaluated: 2023-10-09. Review status: criteria provided, single submitter. Criteria: Invitae Variant Classification Sherloc (09022015). Collection method: clinical testing. Allele origin: germline.
Comment: This sequence change replaces glycine, which is neutral and non-polar, with arginine, which is basic and polar, at codon 13 of the TTR protein (p.Gly13Arg). This variant is present in population databases (rs767889884, gnomAD 0.0009%). This variant has not been reported in the literature in individuals affected with TTR-related conditions. ClinVar contains an entry for this variant (Variation ID: 1423499). Advanced modeling of protein sequence and biophysical properties (such as structural, functional, and spatial information, amino acid conservation, physicochemical variation, residue mobility, and thermodynamic stability) performed at Invitae indicates that this missense variant is expected to disrupt TTR protein function. In summary, the available evidence is currently insufficient to determine the role of this variant in disease. Therefore, it has been classified as a Variant of Uncertain Significance.

Fulgent Genetics
Classification: Uncertain significance for Amyloidosis, hereditary systemic 1; Carpal tunnel syndrome 1; Hyperthyroxinemia, dystransthyretinemic. Last evaluated: 2022-01-03. Review status: criteria provided, single submitter. Criteria: ACMG Guidelines, 2015. Collection method: clinical testing. Allele origin: unknown.

NM_000371.4(TTR):c.37G>A (p.Gly13Arg)

Gene: TTR (transthyretin; plus strand). Cytogenetic location: 18q12.1.
Variant type: single nucleotide variant.
Coding change: c.37G>A on transcript NM_000371.4 (MANE Select); coding-DNA position 37, G replaced by A.
Protein change: p.Gly13Arg; replaces glycine 13 with arginine.
Molecular consequence: missense variant.
Genome position (GRCh38, 1-based): chr18:31,591,939, G>A. VCF-style: chr18-31591939-G-A. GRCh37 (hg19) VCF-style: chr18-29171902-G-A.
Other names: c.37G>A (NM_000371.3); short protein forms G13R.
Identifiers: ClinVar variation 1423499 (VCV001423499.10), dbSNP rs767889884, ClinGen allele CA8928380.
Genomic context (GRCh38, chr18:31,591,939, plus strand): 5'-AGAAGTCCACTCATTCTTGGCAGGATGGCTTCTCATCGTCTGCTCCTCCTCTGCCTTGCT[G>A]GACTGGTATTTGTGTCTGAGGCTGGCCCTACGGTGAGTGTTTCTGTGACATCCCATTCCT-3'
Protein context (NP_000362.1, residues 3-23): SHRLLLLCLA[Gly13Arg]LVFVSEAGPT